The following is an entry in ClinVar:

NM_000632.4(ITGAM):c.1619T>C (p.Ile540Thr)

Gene: ITGAM (integrin subunit alpha M; plus strand). Cytogenetic location: 16p11.2.
Variant type: single nucleotide variant.
Coding change: c.1619T>C on transcript NM_000632.4 (MANE Select); coding-DNA position 1619, T replaced by C.
Protein change: p.Ile540Thr; replaces isoleucine 540 with threonine.
Molecular consequence: missense variant.
Genome position (GRCh38, 1-based): chr16:31,297,866, T>C. VCF-style: chr16-31297866-T-C. GRCh37 (hg19) VCF-style: chr16-31309187-T-C.
Other names: c.1622T>C, p.Ile541Thr (NM_001145808.2); short protein forms I540T, I541T.
Identifiers: ClinVar variation 2174544 (VCV002174544.4), dbSNP rs368134394, ClinGen allele CA8025614.

ClinVar aggregate classification (germline): Uncertain significance (1 of 4 stars; one submission).

Allele frequency attached by ClinVar (database versions not stated): gnomAD 0.00002; TOPMed 0.00003; ExAC 0.00007; gnomAD exomes 0.00008; ESP Exome Variant Server 0.00015.
gnomAD v4.1: 126 of 1,613,818 alleles (0.0078%); highest among the groups gnomAD compares: Middle Eastern, 0.016%; no homozygotes.

Submission:

Labcorp Genetics (formerly Invitae), Labcorp
Classification: Uncertain significance. Last evaluated: 2025-04-17. Review status: criteria provided, single submitter. Criteria: Invitae Variant Classification Sherloc (09022015). Collection method: clinical testing. Allele origin: germline.
Comment: This sequence change replaces isoleucine, which is neutral and non-polar, with threonine, which is neutral and polar, at codon 540 of the ITGAM protein (p.Ile540Thr). This variant is present in population databases (rs368134394, gnomAD 0.008%). This variant has not been reported in the literature in individuals affected with ITGAM-related conditions. ClinVar contains an entry for this variant (Variation ID: 2174544). An algorithm developed to predict the effect of missense changes on protein structure and function (PolyPhen-2) suggests that this variant is likely to be disruptive. In summary, the available evidence is currently insufficient to determine the role of this variant in disease. Therefore, it has been classified as a Variant of Uncertain Significance.